The following is an entry in ClinVar:

ClinVar aggregate classification (germline): Likely pathogenic. Review status: criteria provided, single submitter (1 of 4 stars). 2 submissions from 2 submitters: Likely pathogenic (1). 1 of the submissions does not count toward it. Last evaluated 2022-10-26.

Conditions:
Hypothyroidism, congenital, nongoitrous, 2 (CHNG2). Also called: Hypothyroidism, congenital, due to thyroid dysgenesis or hypoplasia. Identifiers: Orphanet 95712, MedGen C1869118, MONDO:0024264, OMIM 218700.

Submissions (2):

Institute of Medical Genetics and Applied Genomics, University Hospital Tübingen
Classification: Likely pathogenic for Hypothyroidism, congenital, nongoitrous, 2. Last evaluated: 2022-10-26. Review status: criteria provided, single submitter. Criteria: ACMG Guidelines, 2015. Collection method: clinical testing. Allele origin: germline. Inheritance: Autosomal dominant inheritance. Affected: yes.

Department of Pediatrics, Division of Medical Genetics, Faculty of Medicine Ramathibodi Hospital, Mahidol University
Classification: Likely pathogenic for Hypothyroidism, congenital, nongoitrous, 2. Last evaluated: 2020-05-07. Review status: no assertion criteria provided. Collection method: research. Allele origin: germline. Inheritance: Autosomal dominant inheritance. Affected: yes. Observed: 1 heterozygote. Not counted in ClinVar's aggregate classification.

NM_003466.4(PAX8):c.203C>T (p.Thr68Ile)

Genes: PAX8-AS1 (PAX8 antisense RNA 1; plus strand), PAX8 (paired box 8; minus strand). Cytogenetic location: 2q14.1.
Variant type: single nucleotide variant.
Coding change: c.203C>T on transcript NM_003466.4 (MANE Select); coding-DNA position 203, C replaced by T.
Protein change: p.Thr68Ile; replaces threonine 68 with isoleucine.
Molecular consequence: missense variant.
Genome position (GRCh38, 1-based): chr2:113,244,613, G>A on the plus strand (C>T on the coding strand, the complement: PAX8 is on the minus strand). VCF-style: chr2-113244613-G-A. GRCh37 (hg19) VCF-style: chr2-114002190-G-A.
Other names: c.203C>T, p.Thr68Ile (NM_013952.4, NM_013953.4, NM_013992.4); short protein forms T68I.
Identifiers: ClinVar variation 872942 (VCV000872942.3), dbSNP rs1691155605, ClinGen allele CA348302831.
Genomic context (GRCh38, chr2:113,244,613, plus strand): 5'-ACCTTGGGGGTGGCCACCTTGGGCTTGGAGCCCCCTATCACTCCAGGCCGGATGCTGCCA[G>A]TCTCGTAGTACCTACTCCAATAGAGAATCCCAAAGAATTACCCAATAAGCAGGTGGGGTC-3'
Protein context (NP_003457.1, residues 58-78): VSKILGRYYE[Thr68Ile]GSIRPGVIGG